The following is an entry in ClinVar:

ClinVar aggregate classification (germline): Uncertain significance (1 of 4 stars; one submission).

Conditions:
Early Myoclonic Encephalopathy. Identifiers: MedGen C0270855.

Allele frequency attached by ClinVar (database versions not stated): gnomAD exomes below 0.00001.
gnomAD v4.1: 2 of 1,613,948 alleles (0.00012%); highest among the groups gnomAD compares: Non-Finnish European, 0.00017%; no homozygotes.

Submission:

Labcorp Genetics (formerly Invitae), Labcorp
Classification: Uncertain significance for Early Myoclonic Encephalopathy. Last evaluated: 2024-05-31. Review status: criteria provided, single submitter. Criteria: Invitae Variant Classification Sherloc (09022015). Collection method: clinical testing. Allele origin: germline.
Comment: This sequence change creates a premature translational stop signal (p.Glu223*) in the KCND2 gene. It is expected to result in an absent or disrupted protein product. However, the current clinical and genetic evidence is not sufficient to establish whether loss-of-function variants in KCND2 cause disease. This variant is not present in population databases (gnomAD no frequency). This variant has not been reported in the literature in individuals affected with KCND2-related conditions. ClinVar contains an entry for this variant (Variation ID: 2035640). In summary, the available evidence is currently insufficient to determine the role of this variant in disease. Therefore, it has been classified as a Variant of Uncertain Significance.

NM_012281.3(KCND2):c.667G>T (p.Glu223Ter)

Gene: KCND2 (potassium voltage-gated channel subfamily D member 2; plus strand). Cytogenetic location: 7q31.31.
Variant type: single nucleotide variant.
Coding change: c.667G>T on transcript NM_012281.3 (MANE Select); coding-DNA position 667, G replaced by T.
Protein change: p.Glu223Ter; replaces glutamic acid 223 with a stop codon.
Molecular consequence: nonsense.
Genome position (GRCh38, 1-based): chr7:120,275,299, G>T. VCF-style: chr7-120275299-G-T. GRCh37 (hg19) VCF-style: chr7-119915353-G-T.
Other names: short protein forms E223*.
Identifiers: ClinVar variation 2035640 (VCV002035640.4), dbSNP rs2546907434, ClinGen allele CA369132122.